The following is an entry in ClinVar:

ClinVar aggregate classification (germline): Uncertain significance. Review status: criteria provided, multiple submitters, no conflicts (2 of 4 stars). 2 submissions from 2 submitters: Uncertain significance (2). Last evaluated 2022-08-29.

Conditions:
TUB-related disorder. Also called: TUB-related condition.

Allele frequency attached by ClinVar (database versions not stated): gnomAD exomes below 0.00001.
gnomAD v4.1: 4 of 1,614,210 alleles (0.00025%); highest among the groups gnomAD compares: East Asian, 0.0022%; no homozygotes.

Submissions (2):

PreventionGenetics, part of Exact Sciences
Classification: Uncertain significance for TUB-related condition. Last evaluated: 2022-08-29. Review status: criteria provided, single submitter. Criteria: ACMG Guidelines, 2015. Collection method: clinical testing. Allele origin: germline.
Comment: The TUB c.472G>A variant is predicted to result in the amino acid substitution p.Ala158Thr. To our knowledge, this variant has not been reported in the literature. This variant is reported in 0.0029% of alleles in individuals of Latino descent in gnomAD. At this time, the clinical significance of this variant is uncertain due to the absence of conclusive functional and genetic evidence.

Labcorp Genetics (formerly Invitae), Labcorp
Classification: Uncertain significance. Last evaluated: 2022-05-29. Review status: criteria provided, single submitter. Criteria: Invitae Variant Classification Sherloc (09022015). Collection method: clinical testing. Allele origin: germline.
Comment: This sequence change replaces alanine, which is neutral and non-polar, with threonine, which is neutral and polar, at codon 158 of the TUB protein (p.Ala158Thr). This variant is present in population databases (no rsID available, gnomAD 0.003%). This variant has not been reported in the literature in individuals affected with TUB-related conditions. Algorithms developed to predict the effect of missense changes on protein structure and function are either unavailable or do not agree on the potential impact of this missense change (SIFT: "Deleterious"; PolyPhen-2: "Benign"; Align-GVGD: "Class C0"). In summary, the available evidence is currently insufficient to determine the role of this variant in disease. Therefore, it has been classified as a Variant of Uncertain Significance.

NM_177972.3(TUB):c.307G>A (p.Ala103Thr)

Genes: RIC3 (RIC3 acetylcholine receptor chaperone; minus strand), TUB (TUB bipartite transcription factor; plus strand). Cytogenetic location: 11p15.4.
Variant type: single nucleotide variant.
Coding change: c.307G>A on transcript NM_177972.3 (MANE Select); coding-DNA position 307, G replaced by A.
Protein change: p.Ala103Thr; replaces alanine 103 with threonine.
Molecular consequence: missense variant. On other transcripts: non-coding transcript variant (1).
Genome position (GRCh38, 1-based): chr11:8,094,099, G>A. VCF-style: chr11-8094099-G-A. GRCh37 (hg19) VCF-style: chr11-8115646-G-A.
Other names: c.472G>A (NM_003320.4); c.472G>A, p.Ala158Thr (NM_003320.5); short protein forms A158T, A103T.
Identifiers: ClinVar variation 1995794 (VCV001995794.2), dbSNP rs1462557031, ClinGen allele CA379564618.
Genomic context (GRCh38, chr11:8,094,099, plus strand): 5'-TGAGCAGTTCAAGAGGCCGACTCACTCGCCAGTGTGCAGCTGGGAGCCACGCGCCCAACA[G>A]CACCAGCTTCAGCCAAGAGAACCAAGGCGGCAGCTACAGCAGGGGGCCAGGGTGGCGCCG-3'
Protein context (NP_813977.1, residues 93-113): SVQLGATRPT[Ala103Thr]PASAKRTKAA